The following is an entry in ClinVar:

NM_004341.5(CAD):c.1112G>C (p.Arg371Thr)

Gene: CAD (carbamoyl-phosphate synthetase 2, aspartate transcarbamylase, and dihydroorotase; plus strand). Cytogenetic location: 2p23.3.
Variant type: single nucleotide variant.
Coding change: c.1112G>C on transcript NM_004341.5 (MANE Select); coding-DNA position 1112, G replaced by C.
Protein change: p.Arg371Thr; replaces arginine 371 with threonine.
Molecular consequence: missense variant.
Genome position (GRCh38, 1-based): chr2:27,224,348, G>C. VCF-style: chr2-27224348-G-C. GRCh37 (hg19) VCF-style: chr2-27447216-G-C.
Other names: c.1112G>C, p.Arg371Thr (NM_001306079.2); short protein forms R371T.
Identifiers: ClinVar variation 2129958 (VCV002129958.4), dbSNP rs2465296247, ClinGen allele CA346203237.

ClinVar aggregate classification (germline): Uncertain significance (1 of 4 stars; one submission).

Submission:

Labcorp Genetics (formerly Invitae), Labcorp
Classification: Uncertain significance. Last evaluated: 2022-11-01. Review status: criteria provided, single submitter. Criteria: Invitae Variant Classification Sherloc (09022015). Collection method: clinical testing. Allele origin: germline.
Comment: This variant has not been reported in the literature in individuals affected with CAD-related conditions. Algorithms developed to predict the effect of missense changes on protein structure and function (SIFT, PolyPhen-2, Align-GVGD) all suggest that this variant is likely to be tolerated. Algorithms developed to predict the effect of sequence changes on RNA splicing suggest that this variant may disrupt the consensus splice site. In summary, the available evidence is currently insufficient to determine the role of this variant in disease. Therefore, it has been classified as a Variant of Uncertain Significance. This variant is not present in population databases (gnomAD no frequency). This sequence change replaces arginine, which is basic and polar, with threonine, which is neutral and polar, at codon 371 of the CAD protein (p.Arg371Thr).